The following is an entry in ClinVar:

NM_014989.7(RIMS1):c.2399C>T (p.Thr800Ile)

Gene: RIMS1 (regulating synaptic membrane exocytosis 1; plus strand). Cytogenetic location: 6q13.
Variant type: single nucleotide variant.
Coding change: c.2399C>T on transcript NM_014989.7 (MANE Select); coding-DNA position 2399, C replaced by T.
Protein change: p.Thr800Ile; replaces threonine 800 with isoleucine.
Molecular consequence: missense variant.
Genome position (GRCh38, 1-based): chr6:72,250,947, C>T. VCF-style: chr6-72250947-C-T. GRCh37 (hg19) VCF-style: chr6-72960650-C-T.
Other names: c.821C>T, p.Thr274Ile (NM_001350436.2, NM_001350438.2, NM_001350439.2 and 37 more transcripts); c.752C>T, p.Thr251Ile (NM_001350437.2, NM_001350459.2, NM_001350462.2 and 6 more transcripts); c.578C>T, p.Thr193Ile (NM_001350461.2, NM_001350463.2, NM_001350464.2 and 6 more transcripts); c.776C>T, p.Thr259Ile (NM_001168410.2, NM_001350470.2, NM_001350472.2 and 2 more transcripts); short protein forms T193I, T251I, T800I, T259I, T274I.
Identifiers: ClinVar variation 1381524 (VCV001381524.6), dbSNP rs2154135608, ClinGen allele CA364679297.
Genomic context (GRCh38, chr6:72,250,947, plus strand): 5'-GCTTTTTCATTTACAAAACATACTTATTTTTCAGTGATAAAAGTAAAAGGAGGACCAAAA[C>T]AGTAAAGAAAATACTAGAACCAAAATGGAATCAAACTTTTGTCTATTCACATGTACATCG-3'
Protein context (NP_055804.2, residues 790-810): RSDKSKRRTK[Thr800Ile]VKKILEPKWN

ClinVar aggregate classification (germline): Uncertain significance (1 of 4 stars; one submission).

gnomAD v4.1: 1 of 1,528,320 alleles (0.000065%); highest among the groups gnomAD compares: Non-Finnish European, 0.000088%; no homozygotes.

Submission:

Labcorp Genetics (formerly Invitae), Labcorp
Classification: Uncertain significance. Last evaluated: 2021-09-15. Review status: criteria provided, single submitter. Criteria: Invitae Variant Classification Sherloc (09022015). Collection method: clinical testing. Allele origin: germline.
Comment: In summary, the available evidence is currently insufficient to determine the role of this variant in disease. Therefore, it has been classified as a Variant of Uncertain Significance. Algorithms developed to predict the effect of missense changes on protein structure and function are either unavailable or do not agree on the potential impact of this missense change (SIFT: "Deleterious"; PolyPhen-2: "Probably Damaging"; Align-GVGD: "Class C15"). This variant has not been reported in the literature in individuals affected with RIMS1-related conditions. This variant is not present in population databases (ExAC no frequency). This sequence change replaces threonine with isoleucine at codon 800 of the RIMS1 protein (p.Thr800Ile). The threonine residue is highly conserved and there is a moderate physicochemical difference between threonine and isoleucine.